The following is an entry in ClinVar:

NM_001040142.2(SCN2A):c.1542T>C (p.Ser514=)

Gene: SCN2A (sodium voltage-gated channel alpha subunit 2; plus strand). Cytogenetic location: 2q24.3.
Variant type: single nucleotide variant.
Coding change: c.1542T>C on transcript NM_001040142.2 (MANE Select); coding-DNA position 1542, T replaced by C.
Protein change: p.Ser514=; no amino-acid change (serine 514 retained).
Molecular consequence: synonymous variant.
Genome position (GRCh38, 1-based): chr2:165,315,629, T>C. VCF-style: chr2-165315629-T-C. GRCh37 (hg19) VCF-style: chr2-166172139-T-C.
Other names: c.1542T>C, p.Ser514= (NM_001040143.2, NM_001371246.1, NM_001371247.1 and 1 more transcripts).
Identifiers: ClinVar variation 893935 (VCV000893935.8), dbSNP rs780072216, ClinGen allele CA1939837.

ClinVar aggregate classification (germline): Likely benign. Review status: criteria provided, multiple submitters, no conflicts (2 of 4 stars). 3 submissions from 3 submitters: Likely benign (3). Last evaluated 2023-06-05.

Conditions:
Seizures, benign familial infantile, 3 (BFIS3). Also called: Familial neonatal seizures; CONVULSIONS, BENIGN FAMILIAL INFANTILE, 3. Identifiers: Orphanet 140927, Orphanet 306, MedGen C1843140, MONDO:0011904, OMIM 607745.
Developmental and epileptic encephalopathy, 11 (DEE11). Also called: Early infantile epileptic encephalopathy 11. Identifiers: Orphanet 1934, MedGen C3150987, MONDO:0013388, OMIM 613721.

Allele frequency attached by ClinVar (database versions not stated): gnomAD exomes 0.00001; TOPMed 0.00001; ExAC 0.00002.

Submissions (3):

Labcorp Genetics (formerly Invitae), Labcorp
Classification: Likely benign for Seizures, benign familial infantile, 3; Developmental and epileptic encephalopathy, 11. Last evaluated: 2023-06-05. Review status: criteria provided, single submitter. Criteria: Invitae Variant Classification Sherloc (09022015). Collection method: clinical testing. Allele origin: germline.

Blueprint Genetics
Classification: Likely benign. Last evaluated: 2023-03-29. Review status: criteria provided, single submitter. Criteria: ACMG Guidelines, 2015. Collection method: clinical testing. Allele origin: germline.

Illumina Laboratory Services, Illumina
Classification: Likely benign for Seizures, benign familial infantile, 3. Last evaluated: 2018-01-12. Review status: criteria provided, single submitter. Criteria: ICSL Variant Classification Criteria 13 December 2019. Collection method: clinical testing. Allele origin: germline.
Comment: This variant was observed in the ICSL laboratory as part of a predisposition screen in an ostensibly healthy population. It had not been previously curated by ICSL or reported in the Human Gene Mutation Database (HGMD: prior to June 1st, 2018), and was therefore a candidate for classification through an automated scoring system. Utilizing variant allele frequency, disease prevalence and penetrance estimates, and inheritance mode, an automated score was calculated to assess if this variant is too frequent to cause the disease. Based on the score and internal cut-off values, a variant classified as likely benign is not then subjected to further curation. The score for this variant resulted in a classification of likely benign for this disease.